The following is an entry in ClinVar:

ClinVar aggregate classification (germline): Uncertain significance. Review status: criteria provided, multiple submitters, no conflicts (2 of 4 stars). 2 submissions from 2 submitters: Uncertain significance (2). Last evaluated 2024-03-05.

Conditions:
Cardiovascular phenotype. Identifiers: MedGen CN230736.
Long QT syndrome (LQTS). Identifiers: MedGen C0023976, MeSH D008133, MONDO:0002442. Disease mechanism: loss of function. Inheritance: Various modes of inheritance.

Allele frequency attached by ClinVar (database versions not stated): TOPMed 0.00001.

Submissions (3):

Labcorp Genetics (formerly Invitae), Labcorp
Classification: Uncertain significance for Long QT syndrome. Last evaluated: 2024-03-05. Review status: criteria provided, single submitter. Criteria: Invitae Variant Classification Sherloc (09022015). Collection method: clinical testing. Allele origin: germline.
Comment: This sequence change replaces lysine, which is basic and polar, with glutamic acid, which is acidic and polar, at codon 69 of the KCNE1 protein (p.Lys69Glu). This variant is present in population databases (no rsID available, gnomAD 0.0009%). This variant has not been reported in the literature in individuals affected with KCNE1-related conditions. ClinVar contains an entry for this variant (Variation ID: 1785185). Advanced modeling of protein sequence and biophysical properties (such as structural, functional, and spatial information, amino acid conservation, physicochemical variation, residue mobility, and thermodynamic stability) has been performed at Invitae for this missense variant, however the output from this modeling did not meet the statistical confidence thresholds required to predict the impact of this variant on KCNE1 protein function. In summary, the available evidence is currently insufficient to determine the role of this variant in disease. Therefore, it has been classified as a Variant of Uncertain Significance.

Ambry Genetics
Classification: Uncertain significance for Cardiovascular phenotype. Last evaluated: 2020-07-21. Review status: criteria provided, single submitter. Criteria: Ambry Variant Classification Scheme 2023. Collection method: clinical testing. Allele origin: germline.
Comment: The p.K69E variant (also known as c.205A>G), located in coding exon 1 of the KCNE1 gene, results from an A to G substitution at nucleotide position 205. The lysine at codon 69 is replaced by glutamic acid, an amino acid with similar properties. This amino acid position is well conserved in available vertebrate species. In addition, the in silico prediction for this alteration is inconclusive. Since supporting evidence is limited at this time, the clinical significance of this alteration remains unclear.

Roden Lab, Vanderbilt University Medical Center
No classification provided (evidence only). Condition: Long QT syndrome 5. Review status: no classification provided. Collection method: in vitro. Allele origin: not applicable. Functional consequence: Effect on ion channel function. Not counted in ClinVar's aggregate classification.
ClinVar note: "not provided" was previously submitted as the classification for the variant. However, the classification appeared to be based only on an observation of functional data so it was converted to no classification on 2025-07-30.

Literature cited by the submitters: PubMed 21576493 (cited by Ambry Genetics).

NM_000219.6(KCNE1):c.205A>G (p.Lys69Glu)

Gene: KCNE1 (potassium voltage-gated channel subfamily E regulatory subunit 1; minus strand). Cytogenetic location: 21q22.12.
Variant type: single nucleotide variant.
Coding change: c.205A>G on transcript NM_000219.6 (MANE Select); coding-DNA position 205, A replaced by G.
Protein change: p.Lys69Glu; replaces lysine 69 with glutamic acid.
Molecular consequence: missense variant.
Genome position (GRCh38, 1-based): chr21:34,449,430, T>C on the plus strand (A>G on the coding strand, the complement: KCNE1 is on the minus strand). VCF-style: chr21-34449430-T-C. GRCh37 (hg19) VCF-style: chr21-35821728-T-C.
Other names: c.205A>G, p.Lys69Glu (NM_001127668.4, NM_001127669.4, NM_001127670.4 and 4 more transcripts); short protein forms K69E.
Identifiers: ClinVar variation 1785185 (VCV001785185.5), dbSNP rs1199519166, ClinGen allele CA410198275.